The following is an entry in ClinVar:

ClinVar aggregate classification (germline): Uncertain significance (1 of 4 stars; one submission).

Conditions:
Hereditary cancer-predisposing syndrome. Also called: Tumor predisposition; Hereditary neoplastic syndrome; Neoplastic Syndromes, Hereditary; Hereditary Cancer Syndrome. Identifiers: Orphanet 140162, MedGen C0027672, MeSH D009386, MONDO:0015356.

Submission:

Ambry Genetics
Classification: Uncertain significance for Hereditary cancer-predisposing syndrome. Last evaluated: 2025-03-17. Review status: criteria provided, single submitter. Criteria: Ambry Variant Classification Scheme 2023. Collection method: clinical testing. Allele origin: germline.
Comment: The p.I89F variant (also known as c.265A>T), located in coding exon 3 of the FANCC gene, results from an A to T substitution at nucleotide position 265. The isoleucine at codon 89 is replaced by phenylalanine, an amino acid with highly similar properties. This amino acid position is conserved. In addition, this alteration is predicted to be tolerated by in silico analysis. Based on the available evidence, the clinical significance of this variant remains unclear.

NM_000136.3(FANCC):c.265A>T (p.Ile89Phe)

Gene: FANCC (FA complementation group C; minus strand). Cytogenetic location: 9q22.32.
Variant type: single nucleotide variant.
Coding change: c.265A>T on transcript NM_000136.3 (MANE Select); coding-DNA position 265, A replaced by T.
Protein change: p.Ile89Phe; replaces isoleucine 89 with phenylalanine.
Molecular consequence: missense variant.
Genome position (GRCh38, 1-based): chr9:95,240,729, T>A on the plus strand (A>T on the coding strand, the complement: FANCC is on the minus strand). VCF-style: chr9-95240729-T-A. GRCh37 (hg19) VCF-style: chr9-98003011-T-A.
Other names: c.265A>T, p.Ile89Phe (NM_001243743.2, NM_001243744.2); short protein forms I89F.
Identifiers: ClinVar variation 4022398 (VCV004022398.1).